The following is an entry in ClinVar:

ClinVar aggregate classification (germline): Conflicting classifications of pathogenicity. Review status: criteria provided, conflicting classifications (1 of 4 stars). 6 submissions from 6 submitters: Uncertain significance (4); Likely benign (2). Last evaluated 2026-02-01.

Conditions:
Brugada syndrome. Also called: Sudden Unexplained Death Syndrome; Sudden Unexplained Nocturnal Death Syndrome (SUNDS); Sudden unexplained nocturnal death syndrome; Sudden unexpected nocturnal death syndrome. Identifiers: Orphanet 130, MedGen C1142166, MONDO:0015263.
Cardiovascular phenotype. Identifiers: MedGen CN230736.

Allele frequency attached by ClinVar (database versions not stated): gnomAD exomes 0.00001 and 0.00004; ExAC 0.00002; gnomAD 0.00003 and 0.00004; TOPMed 0.00004.
gnomAD v4.1: 72 of 1,606,568 alleles (0.0045%); highest among the groups gnomAD compares: Non-Finnish European, 0.005%; no homozygotes.

Submissions (6):

CeGaT Center for Human Genetics Tuebingen
Classification: Likely benign. Last evaluated: 2026-02-01. Review status: criteria provided, single submitter. Criteria: CeGaT Center For Human Genetics Tuebingen Variant Classification Criteria Version 2. Collection method: clinical testing. Allele origin: germline. Affected: yes. Observed: 1 variant allele.
Comment: SCN10A: BP4

Labcorp Genetics (formerly Invitae), Labcorp
Classification: Uncertain significance for Brugada syndrome. Last evaluated: 2025-12-22. Review status: criteria provided, single submitter. Criteria: Invitae Variant Classification Sherloc (09022015). Collection method: clinical testing. Allele origin: germline.
Comment: This sequence change replaces serine, which is neutral and polar, with alanine, which is neutral and non-polar, at codon 1060 of the SCN10A protein (p.Ser1060Ala). This variant is present in population databases (rs750655728, gnomAD 0.002%). This variant has not been reported in the literature in individuals affected with SCN10A-related conditions. ClinVar contains an entry for this variant (Variation ID: 1002406). Invitae Evidence Modeling of protein sequence and biophysical properties (such as structural, functional, and spatial information, amino acid conservation, physicochemical variation, residue mobility, and thermodynamic stability) indicates that this missense variant is not expected to disrupt SCN10A protein function with a negative predictive value of 95%. In summary, the available evidence is currently insufficient to determine the role of this variant in disease. Therefore, it has been classified as a Variant of Uncertain Significance.

Women's Health and Genetics/Laboratory Corporation of America, LabCorp
Classification: Uncertain significance. Last evaluated: 2024-10-21. Review status: criteria provided, single submitter. Criteria: LabCorp Variant Classification Summary - May 2015. Collection method: clinical testing. Allele origin: germline.
Comment: Variant summary: SCN10A c.3178T>G (p.Ser1060Ala) results in a conservative amino acid change located in the sodium ion transport-associated domain (IPR010526) of the encoded protein sequence. Five of five in-silico tools predict a benign effect of the variant on protein function. The variant allele was found at a frequency of 1.2e-05 in 249766 control chromosomes (gnomAD). The available data on variant occurrences in the general population are insufficient to allow any conclusion about variant significance. c.3178T>G has been reported in the literature in at least an individual affected with autism spectrum disorder (example: Patowary_2019). This report does not provide unequivocal conclusions about association of the variant with SCN10A-Related Disorders. To our knowledge, no experimental evidence demonstrating an impact on protein function has been reported. The following publication has been ascertained in the context of this evaluation (PMID: 30664616). ClinVar contains an entry for this variant (Variation ID: 1002406). Based on the evidence outlined above, the variant was classified as uncertain significance.

Blueprint Genetics
Classification: Likely benign. Last evaluated: 2024-05-06. Review status: criteria provided, single submitter. Criteria: ACMG Guidelines, 2015. Collection method: clinical testing. Allele origin: germline.

Ambry Genetics
Classification: Uncertain significance for Cardiovascular phenotype. Last evaluated: 2024-01-01. Review status: criteria provided, single submitter. Criteria: Ambry Variant Classification Scheme 2023. Collection method: clinical testing. Allele origin: germline.
Comment: The p.S1060A variant (also known as c.3178T>G), located in coding exon 17 of the SCN10A gene, results from a T to G substitution at nucleotide position 3178. The serine at codon 1060 is replaced by alanine, an amino acid with similar properties. This amino acid position is poorly conserved in available vertebrate species. In addition, this alteration is predicted to be tolerated by in silico analysis. Since supporting evidence is limited at this time, the clinical significance of this alteration remains unclear.

Mayo Clinic Laboratories, Mayo Clinic
Classification: Uncertain significance. Last evaluated: 2020-03-30. Review status: criteria provided, single submitter. Criteria: ACMG Guidelines, 2015. Collection method: clinical testing. Allele origin: germline. Observed: 1 variant allele.

Literature cited by the submitters: PubMed 30664616 (cited by Women's Health and Genetics/Laboratory Corporation of America, LabCorp).

NM_006514.4(SCN10A):c.3178T>G (p.Ser1060Ala)

Genes: SCN10A (sodium voltage-gated channel alpha subunit 10; minus strand), LOC110121288 (VISTA enhancer hs2268; plus strand). Cytogenetic location: 3p22.2.
Variant type: single nucleotide variant.
Coding change: c.3178T>G on transcript NM_006514.4 (MANE Select); coding-DNA position 3178, T replaced by G.
Protein change: p.Ser1060Ala; replaces serine 1060 with alanine.
Molecular consequence: missense variant.
Genome position (GRCh38, 1-based): chr3:38,725,224, A>C on the plus strand (T>G on the coding strand, the complement: SCN10A is on the minus strand). VCF-style: chr3-38725224-A-C. GRCh37 (hg19) VCF-style: chr3-38766715-A-C.
Other names: c.3175T>G, p.Ser1059Ala (NM_001293306.2); c.2884T>G, p.Ser962Ala (NM_001293307.2); short protein forms S1059A, S1060A, S962A.
Identifiers: ClinVar variation 1002406 (VCV001002406.17), dbSNP rs750655728, ClinGen allele CA2320331.